The following is an entry in ClinVar:

NM_003803.4(MYOM1):c.2566G>A (p.Ala856Thr)

Gene: MYOM1 (myomesin 1; minus strand). Cytogenetic location: 18p11.31.
Variant type: single nucleotide variant.
Coding change: c.2566G>A on transcript NM_003803.4 (MANE Select); coding-DNA position 2566, G replaced by A.
Protein change: p.Ala856Thr; replaces alanine 856 with threonine.
Molecular consequence: missense variant. On other transcripts: intron variant (1).
Genome position (GRCh38, 1-based): chr18:3,129,460, C>T on the plus strand (G>A on the coding strand, the complement: MYOM1 is on the minus strand). VCF-style: chr18-3129460-C-T. GRCh37 (hg19) VCF-style: chr18-3129458-C-T.
Other names: c.2506+1915G>A (NM_019856.2); c.2566G>A (NM_003803.3); short protein forms A856T.
Identifiers: ClinVar variation 1052871 (VCV001052871.10), dbSNP rs781472387, ClinGen allele CA295515592.

ClinVar aggregate classification (germline): Uncertain significance. Review status: criteria provided, multiple submitters, no conflicts (2 of 4 stars). 2 submissions from 2 submitters: Uncertain significance (2). Last evaluated 2023-12-18.

Conditions:
Hypertrophic cardiomyopathy. Also called: HYPERTROPHIC MYOCARDIOPATHY. Identifiers: Orphanet 217569, MedGen C0007194, MeSH D002312, MONDO:0005045, HP:0001639.

Allele frequency attached by ClinVar (database versions not stated): gnomAD exomes below 0.00001; gnomAD 0.00001; TOPMed 0.00001.
gnomAD v4.1: 7 of 1,613,812 alleles (0.00043%); highest among the groups gnomAD compares: Admixed American, 0.005%; no homozygotes.

Submissions (2):

Labcorp Genetics (formerly Invitae), Labcorp
Classification: Uncertain significance for Hypertrophic cardiomyopathy. Last evaluated: 2023-12-18. Review status: criteria provided, single submitter. Criteria: Invitae Variant Classification Sherloc (09022015). Collection method: clinical testing. Allele origin: germline.
Comment: This sequence change replaces alanine, which is neutral and non-polar, with threonine, which is neutral and polar, at codon 856 of the MYOM1 protein (p.Ala856Thr). This variant is present in population databases (rs781472387, gnomAD 0.006%). This variant has not been reported in the literature in individuals affected with MYOM1-related conditions. ClinVar contains an entry for this variant (Variation ID: 1052871). Algorithms developed to predict the effect of missense changes on protein structure and function output the following: SIFT: "Not Available"; PolyPhen-2: "Benign"; Align-GVGD: "Not Available". The threonine amino acid residue is found in multiple mammalian species, which suggests that this missense change does not adversely affect protein function. In summary, the available evidence is currently insufficient to determine the role of this variant in disease. Therefore, it has been classified as a Variant of Uncertain Significance.

Ambry Genetics
Classification: Uncertain significance. Last evaluated: 2023-08-25. Review status: criteria provided, single submitter. Criteria: Ambry Variant Classification Scheme 2023. Collection method: clinical testing. Allele origin: germline.
Comment: The p.A856T variant (also known as c.2566G>A), located in coding exon 17 of the MYOM1 gene, results from a G to A substitution at nucleotide position 2566. The alanine at codon 856 is replaced by threonine, an amino acid with similar properties. This amino acid position is conserved. In addition, this alteration is predicted to be tolerated by in silico analysis. Since supporting evidence is limited at this time, the clinical significance of this alteration remains unclear.